The following is an entry in ClinVar:

NM_002816.5(PSMD12):c.710A>G (p.Glu237Gly)

Gene: PSMD12 (proteasome 26S subunit, non-ATPase 12; minus strand). Cytogenetic location: 17q24.2.
Variant type: single nucleotide variant.
Coding change: c.710A>G on transcript NM_002816.5 (MANE Select); coding-DNA position 710, A replaced by G.
Protein change: p.Glu237Gly; replaces glutamic acid 237 with glycine.
Molecular consequence: missense variant.
Genome position (GRCh38, 1-based): chr17:67,347,201, T>C on the plus strand (A>G on the coding strand, the complement: PSMD12 is on the minus strand). VCF-style: chr17-67347201-T-C. GRCh37 (hg19) VCF-style: chr17-65343317-T-C.
Other names: c.533A>G, p.Glu178Gly (NM_001316341.2); c.650A>G, p.Glu217Gly (NM_174871.4); short protein forms E178G, E217G, E237G.
Identifiers: ClinVar variation 3030774 (VCV003030774.2), dbSNP rs762568048, ClinGen allele CA8723697.

ClinVar aggregate classification (germline): Uncertain significance (0 of 4 stars; one submission).

Conditions:
PSMD12-related disorder. Also called: PSMD12-related condition.

Allele frequency attached by ClinVar (database versions not stated): ExAC 0.00001; TOPMed 0.00002.

Submission:

PreventionGenetics, part of Exact Sciences
Classification: Uncertain significance for PSMD12-related condition. Last evaluated: 2023-12-15. Review status: no assertion criteria provided. Collection method: clinical testing. Allele origin: germline.
Comment: The PSMD12 c.710A>G variant is predicted to result in the amino acid substitution p.Glu237Gly. To our knowledge, this variant has not been reported in the literature or in a large population database, indicating this variant is rare. At this time, the clinical significance of this variant is uncertain due to the absence of conclusive functional and genetic evidence.